The following is an entry in ClinVar:

ClinVar aggregate classification (germline): Uncertain significance. Review status: criteria provided, multiple submitters, no conflicts (2 of 4 stars). 2 submissions from 2 submitters: Uncertain significance (2). Last evaluated 2022-10-13.

Allele frequency attached by ClinVar (database versions not stated): gnomAD exomes below 0.00001 and 0.00003; gnomAD 0.00001; TOPMed 0.00001.
gnomAD v4.1: 51 of 1,614,000 alleles (0.0032%); highest among the groups gnomAD compares: Non-Finnish European, 0.0043%; no homozygotes.

Submissions (2):

Labcorp Genetics (formerly Invitae), Labcorp
Classification: Uncertain significance. Last evaluated: 2022-10-13. Review status: criteria provided, single submitter. Criteria: Invitae Variant Classification Sherloc (09022015). Collection method: clinical testing. Allele origin: germline.
Comment: This sequence change replaces glutamic acid, which is acidic and polar, with aspartic acid, which is acidic and polar, at codon 149 of the IMPG1 protein (p.Glu149Asp). This variant is present in population databases (no rsID available, gnomAD 0.0009%). This variant has not been reported in the literature in individuals affected with IMPG1-related conditions. ClinVar contains an entry for this variant (Variation ID: 1018699). Algorithms developed to predict the effect of missense changes on protein structure and function are either unavailable or do not agree on the potential impact of this missense change (SIFT: "Deleterious"; PolyPhen-2: "Probably Damaging"; Align-GVGD: "Class C0"). In summary, the available evidence is currently insufficient to determine the role of this variant in disease. Therefore, it has been classified as a Variant of Uncertain Significance.

Blueprint Genetics
Classification: Uncertain significance. Last evaluated: 2022-08-01. Review status: criteria provided, single submitter. Criteria: ACMG Guidelines, 2015. Collection method: clinical testing. Allele origin: germline.

NM_001563.4(IMPG1):c.447G>C (p.Glu149Asp)

Gene: IMPG1 (interphotoreceptor matrix proteoglycan 1; minus strand). Cytogenetic location: 6q14.1.
Variant type: single nucleotide variant.
Coding change: c.447G>C on transcript NM_001563.4 (MANE Select); coding-DNA position 447, G replaced by C.
Protein change: p.Glu149Asp; replaces glutamic acid 149 with aspartic acid.
Molecular consequence: missense variant.
Genome position (GRCh38, 1-based): chr6:76,034,642, C>G on the plus strand (G>C on the coding strand, the complement: IMPG1 is on the minus strand). VCF-style: chr6-76034642-C-G. GRCh37 (hg19) VCF-style: chr6-76744359-C-G.
Other names: c.213G>C, p.Glu71Asp (NM_001282368.2); short protein forms E149D, E71D.
Identifiers: ClinVar variation 1018699 (VCV001018699.11), dbSNP rs1213844030, ClinGen allele CA364780337.
Genomic context (GRCh38, chr6:76,034,642, plus strand): 5'-GTGCAGTGTTCCAAATAACCATGTGGTGTTTAGGCTCACCTGCTGGAGAAGATCCAGGTG[C>G]TCCTGGGAATTGCTGAAGTTTTTTCCAATGTCAAAGAGGCAGAAGGTCTCCTGCTGGCAG-3'
Protein context (NP_001554.2, residues 139-159): DIGKNFSNSQ[Glu149Asp]HLDLLQQRIK